The following is an entry in ClinVar:

ClinVar aggregate classification (germline): Uncertain significance. Review status: criteria provided, multiple submitters, no conflicts (2 of 4 stars). 2 submissions from 2 submitters: Uncertain significance (2). Last evaluated 2025-12-23.

Conditions:
DNMT3A-related disorder. Also called: DNMT3A-related disorders; DNMT3A-related condition.

Allele frequency attached by ClinVar (database versions not stated): TOPMed below 0.00001.

Submissions (2):

PreventionGenetics, part of Exact Sciences
Classification: Uncertain significance for DNMT3A-related condition. Last evaluated: 2025-12-23. Review status: criteria provided, single submitter. Criteria: ACMG Guidelines, 2015. Collection method: clinical testing. Allele origin: germline.
Comment: The DNMT3A c.95C>T variant is predicted to result in the amino acid substitution p.Pro32Leu. To our knowledge, this variant has not been reported in the literature. This variant is reported in 0.00089% of alleles in individuals of European (Non-Finnish) descent in gnomAD. At this time, the clinical significance of this variant is uncertain due to the absence of conclusive functional and genetic evidence.

CeGaT Center for Human Genetics Tuebingen
Classification: Uncertain significance. Last evaluated: 2023-02-01. Review status: criteria provided, single submitter. Criteria: CeGaT Center For Human Genetics Tuebingen Variant Classification Criteria Version 2. Collection method: clinical testing. Allele origin: germline. Affected: yes. Observed: 1 variant allele.
Comment: DNMT3A: PP2

NM_022552.5(DNMT3A):c.95C>T (p.Pro32Leu)

Gene: DNMT3A (DNA methyltransferase 3 alpha; minus strand). Cytogenetic location: 2p23.3.
Variant type: single nucleotide variant.
Coding change: c.95C>T on transcript NM_022552.5 (MANE Select); coding-DNA position 95, C replaced by T.
Protein change: p.Pro32Leu; replaces proline 32 with leucine.
Molecular consequence: missense variant. On other transcripts: non-coding transcript variant (1).
Genome position (GRCh38, 1-based): chr2:25,300,221, G>A on the plus strand (C>T on the coding strand, the complement: DNMT3A is on the minus strand). VCF-style: chr2-25300221-G-A. GRCh37 (hg19) VCF-style: chr2-25523090-G-A.
Other names: c.95C>T, p.Pro32Leu (NM_001320892.2, NM_175629.2, NM_175630.1); short protein forms P32L.
Identifiers: ClinVar variation 2650730 (VCV002650730.25), dbSNP rs1200194867, ClinGen allele CA346251745.